The following is an entry in ClinVar:

ClinVar aggregate classification (germline): Uncertain significance (1 of 4 stars; one submission).

Conditions:
Dilated cardiomyopathy 1DD (CMD1DD). Identifiers: Orphanet 154, MedGen C2750995, MONDO:0013168, OMIM 613172.

Allele frequency attached by ClinVar (database versions not stated): gnomAD exomes 0.00001.
gnomAD v4.1: 4 of 1,526,472 alleles (0.00026%); highest among the groups gnomAD compares: South Asian, 0.0049%; no homozygotes.

Submission:

Labcorp Genetics (formerly Invitae), Labcorp
Classification: Uncertain significance for Dilated cardiomyopathy 1DD. Last evaluated: 2022-09-13. Review status: criteria provided, single submitter. Criteria: Invitae Variant Classification Sherloc (09022015). Collection method: clinical testing. Allele origin: germline.
Comment: This sequence change replaces methionine, which is neutral and non-polar, with leucine, which is neutral and non-polar, at codon 41 of the RBM20 protein (p.Met41Leu). This variant is not present in population databases (gnomAD no frequency). This variant has not been reported in the literature in individuals affected with RBM20-related conditions. Advanced modeling of protein sequence and biophysical properties (such as structural, functional, and spatial information, amino acid conservation, physicochemical variation, residue mobility, and thermodynamic stability) performed at Invitae indicates that this missense variant is not expected to disrupt RBM20 protein function. In summary, the available evidence is currently insufficient to determine the role of this variant in disease. Therefore, it has been classified as a Variant of Uncertain Significance.

NM_001134363.3(RBM20):c.121A>T (p.Met41Leu)

Gene: RBM20 (RNA binding motif protein 20; plus strand). Cytogenetic location: 10q25.2.
Variant type: single nucleotide variant.
Coding change: c.121A>T on transcript NM_001134363.3 (MANE Select); coding-DNA position 121, A replaced by T.
Protein change: p.Met41Leu; replaces methionine 41 with leucine.
Molecular consequence: missense variant.
Genome position (GRCh38, 1-based): chr10:110,644,575, A>T. VCF-style: chr10-110644575-A-T. GRCh37 (hg19) VCF-style: chr10-112404333-A-T.
Other names: short protein forms M41L.
Identifiers: ClinVar variation 2163834 (VCV002163834.4), dbSNP rs2493192535, ClinGen allele CA378527738.